The following is an entry in ClinVar:

NM_182548.4(LHFPL5):c.475C>G (p.Arg159Gly)

Gene: LHFPL5 (LHFPL tetraspan subfamily member 5; plus strand). Cytogenetic location: 6p21.31.
Variant type: single nucleotide variant.
Coding change: c.475C>G on transcript NM_182548.4 (MANE Select); coding-DNA position 475, C replaced by G.
Protein change: p.Arg159Gly; replaces arginine 159 with glycine.
Molecular consequence: missense variant.
Genome position (GRCh38, 1-based): chr6:35,814,608, C>G. VCF-style: chr6-35814608-C-G. GRCh37 (hg19) VCF-style: chr6-35782385-C-G.
Other names: short protein forms R159G.
Identifiers: ClinVar variation 2058139 (VCV002058139.1), dbSNP rs755791421, ClinGen allele CA363785830.

ClinVar aggregate classification (germline): Uncertain significance (1 of 4 stars; one submission).

Submission:

Labcorp Genetics (formerly Invitae), Labcorp
Classification: Uncertain significance. Last evaluated: 2022-05-20. Review status: criteria provided, single submitter. Criteria: Invitae Variant Classification Sherloc (09022015). Collection method: clinical testing. Allele origin: germline.
Comment: This sequence change replaces arginine, which is basic and polar, with glycine, which is neutral and non-polar, at codon 159 of the LHFPL5 protein (p.Arg159Gly). This variant is not present in population databases (gnomAD no frequency). This variant has not been reported in the literature in individuals affected with LHFPL5-related conditions. Algorithms developed to predict the effect of missense changes on protein structure and function are either unavailable or do not agree on the potential impact of this missense change (SIFT: "Deleterious"; PolyPhen-2: "Probably Damaging"; Align-GVGD: "Class C15"). In summary, the available evidence is currently insufficient to determine the role of this variant in disease. Therefore, it has been classified as a Variant of Uncertain Significance.